The following is an entry in ClinVar:

ClinVar aggregate classification (germline): Conflicting classifications of pathogenicity. Review status: criteria provided, conflicting classifications (1 of 4 stars). 3 submissions from 3 submitters: Uncertain significance (1); Likely benign (2). Last evaluated 2025-09-10.

Conditions:
Retinoblastoma (RB1). Also called: RETINOBLASTOMA, SOMATIC. Identifiers: Orphanet 790, MedGen C0035335, MeSH D012175, MONDO:0008380, OMIM 180200, HP:0009919. Disease mechanism: loss of function. Inheritance: Both sporadic and heritable forms are tested..
Hereditary cancer-predisposing syndrome. Also called: Neoplastic Syndromes, Hereditary; Tumor predisposition; Hereditary Cancer Syndrome; Hereditary neoplastic syndrome. Identifiers: Orphanet 140162, MedGen C0027672, MeSH D009386, MONDO:0015356.

Allele frequency attached by ClinVar (database versions not stated): gnomAD exomes below 0.00001.
gnomAD v4.1: 4 of 1,599,806 alleles (0.00025%); highest among the groups gnomAD compares: Non-Finnish European, 0.00034%; no homozygotes.

Submissions (3):

Ambry Genetics
Classification: Likely benign for Hereditary cancer-predisposing syndrome. Last evaluated: 2025-09-10. Review status: criteria provided, single submitter. Criteria: Ambry Variant Classification Scheme 2023. Collection method: clinical testing. Allele origin: germline.

Labcorp Genetics (formerly Invitae), Labcorp
Classification: Likely benign for Retinoblastoma. Last evaluated: 2025-04-08. Review status: criteria provided, single submitter. Criteria: Invitae Variant Classification Sherloc (09022015). Collection method: clinical testing. Allele origin: germline.

All of Us Research Program, National Institutes of Health
Classification: Uncertain significance for Retinoblastoma. Last evaluated: 2024-02-05. Review status: criteria provided, single submitter. Criteria: ACMG Guidelines, 2015. Collection method: clinical testing. Allele origin: germline. Inheritance: Autosomal dominant inheritance. Observed: 7 variant alleles, 7 heterozygotes.
Comment: This missense variant replaces histidine with arginine at codon 733 of the RB1 protein. Computational prediction suggests that this variant may not impact protein structure and function (internally defined REVEL score threshold <= 0.5, PMID: 27666373). To our knowledge, functional studies have not been reported for this variant. This variant has been reported in an individual in the the Leiden Open-source Variation Database (LOVD). This variant has been identified in 1/250948 chromosomes in the general population by the Genome Aggregation Database (gnomAD). The available evidence is insufficient to determine the role of this variant in disease conclusively. Therefore, this variant is classified as a Variant of Uncertain Significance.

This study involves interpretation of variants in research participants for the purpose of population health screening. Participant phenotype was not available at the time of variant classification. Additional details can be found in publication PMID: 35346344, PMCID: PMC8962531

Literature cited by the submitters: PubMed 18181215 (cited by Ambry Genetics).

NM_000321.3(RB1):c.2198A>G (p.His733Arg)

Gene: RB1 (RB transcriptional corepressor 1; plus strand). Cytogenetic location: 13q14.2.
Variant type: single nucleotide variant.
Coding change: c.2198A>G on transcript NM_000321.3 (MANE Select); coding-DNA position 2198, A replaced by G.
Protein change: p.His733Arg; replaces histidine 733 with arginine.
Molecular consequence: missense variant.
Genome position (GRCh38, 1-based): chr13:48,463,822, A>G. VCF-style: chr13-48463822-A-G. GRCh37 (hg19) VCF-style: chr13-49037958-A-G.
Other names: short protein forms H733R.
Identifiers: ClinVar variation 527908 (VCV000527908.14), dbSNP rs778503152, ClinGen allele CA388167209.
Genomic context (GRCh38, chr13:48,463,822, plus strand): 5'-AAGTGAAGAATATAGACCTTAAATTCAAAATCATTGTAACAGCATACAAGGATCTTCCTC[A>G]TGCTGTTCAGGAGGTAGGTAATTTTCCATAGTAAGTTTTTTTGATAAATCCATATCCATA-3'
Protein context (NP_000312.2, residues 723-743): IIVTAYKDLP[His733Arg]AVQETFKRVL